The following is an entry in ClinVar:

ClinVar aggregate classification (germline): Uncertain significance (1 of 4 stars; one submission).

Allele frequency attached by ClinVar (database versions not stated): gnomAD exomes below 0.00001.
gnomAD v4.1: 2 of 1,614,220 alleles (0.00012%); highest among the groups gnomAD compares: Non-Finnish European, 0.00017%; no homozygotes.

Submission:

Labcorp Genetics (formerly Invitae), Labcorp
Classification: Uncertain significance. Last evaluated: 2022-02-10. Review status: criteria provided, single submitter. Criteria: Invitae Variant Classification Sherloc (09022015). Collection method: clinical testing. Allele origin: germline.
Comment: This sequence change replaces lysine, which is basic and polar, with isoleucine, which is neutral and non-polar, at codon 228 of the RP1 protein (p.Lys228Ile). This variant is not present in population databases (gnomAD no frequency). This variant has not been reported in the literature in individuals affected with RP1-related conditions. ClinVar contains an entry for this variant (Variation ID: 1047855). Algorithms developed to predict the effect of missense changes on protein structure and function (SIFT, PolyPhen-2, Align-GVGD) all suggest that this variant is likely to be disruptive. In summary, the available evidence is currently insufficient to determine the role of this variant in disease. Therefore, it has been classified as a Variant of Uncertain Significance.

NM_006269.2(RP1):c.683A>T (p.Lys228Ile)

Gene: RP1 (RP1 axonemal microtubule associated; plus strand). Cytogenetic location: 8q12.1.
Variant type: single nucleotide variant.
Coding change: c.683A>T on transcript NM_006269.2 (MANE Select); coding-DNA position 683, A replaced by T.
Protein change: p.Lys228Ile; replaces lysine 228 with isoleucine.
Molecular consequence: missense variant.
Genome position (GRCh38, 1-based): chr8:54,622,184, A>T. VCF-style: chr8-54622184-A-T. GRCh37 (hg19) VCF-style: chr8-55534744-A-T.
Other names: c.683A>T, p.Lys228Ile (NM_001375654.1); short protein forms K228I.
Identifiers: ClinVar variation 1047855 (VCV001047855.8), dbSNP rs1805901267, ClinGen allele CA370987999.